The following is an entry in ClinVar:

NM_001687.5(ATP5F1D):c.460C>T (p.Gln154Ter)

Genes: ATP5F1D (ATP synthase F1 subunit delta; plus strand), LOC130062904 (ATAC-STARR-seq lymphoblastoid silent region 9674; plus strand). Cytogenetic location: 19p13.3.
Variant type: single nucleotide variant.
Coding change: c.460C>T on transcript NM_001687.5 (MANE Select); coding-DNA position 460, C replaced by T.
Protein change: p.Gln154Ter; replaces glutamine 154 with a stop codon.
Molecular consequence: nonsense.
Genome position (GRCh38, 1-based): chr19:1,244,390, C>T. VCF-style: chr19-1244390-C-T. GRCh37 (hg19) VCF-style: chr19-1244389-C-T.
Other names: c.460C>T, p.Gln154Ter (NM_001001975.2); short protein forms Q154*.
Identifiers: ClinVar variation 4780701 (VCV004780701.1).

ClinVar aggregate classification (germline): Uncertain significance (1 of 4 stars; one submission).

Submission:

Labcorp Genetics (formerly Invitae), Labcorp
Classification: Uncertain significance. Last evaluated: 2025-02-03. Review status: criteria provided, single submitter. Criteria: Invitae Variant Classification Sherloc (09022015). Collection method: clinical testing. Allele origin: germline.
Comment: This sequence change creates a premature translational stop signal (p.Gln154*) in the ATP5D gene. It is expected to result in an absent or disrupted protein product. However, the current clinical and genetic evidence is not sufficient to establish whether loss-of-function variants in ATP5D cause disease. This variant is not present in population databases (gnomAD no frequency). This variant has not been reported in the literature in individuals affected with ATP5D-related conditions. In summary, the available evidence is currently insufficient to determine the role of this variant in disease. Therefore, it has been classified as a Variant of Uncertain Significance.